The following is an entry in ClinVar:

NM_002361.4(MAG):c.1760G>A (p.Arg587Gln)

Gene: MAG (myelin associated glycoprotein; plus strand). Cytogenetic location: 19q13.12.
Variant type: single nucleotide variant.
Coding change: c.1760G>A on transcript NM_002361.4 (MANE Select); coding-DNA position 1760, G replaced by A.
Protein change: p.Arg587Gln; replaces arginine 587 with glutamine.
Molecular consequence: missense variant. On other transcripts: 3 prime UTR variant (1).
Genome position (GRCh38, 1-based): chr19:35,313,333, G>A. VCF-style: chr19-35313333-G-A. GRCh37 (hg19) VCF-style: chr19-35804236-G-A.
Other names: c.1685G>A, p.Arg562Gln (NM_001199216.2); c.*56G>A (NM_080600.3); short protein forms R587Q, R562Q.
Identifiers: ClinVar variation 573743 (VCV000573743.10), dbSNP rs201094395, ClinGen allele CA9376410.

ClinVar aggregate classification (germline): Uncertain significance. Review status: criteria provided, multiple submitters, no conflicts (2 of 4 stars). 2 submissions from 2 submitters: Uncertain significance (2). Last evaluated 2025-08-20.

Conditions:
Inborn genetic diseases. Identifiers: MedGen C0950123, MeSH D030342.
Hereditary spastic paraplegia 75. Also called: Spastic paraplegia 75, autosomal recessive. Identifiers: Orphanet 459056, MedGen C4225250, MONDO:0014729, OMIM 616680.

Allele frequency attached by ClinVar (database versions not stated): gnomAD 0.00003 and 0.00002; TOPMed 0.00003; 1000 Genomes Project 30x 0.00016; ESP Exome Variant Server 0.00015; 1000 Genomes Project 0.00020; gnomAD exomes 0.00004 and 0.00006; ExAC 0.00007.

Submissions (2):

Ambry Genetics
Classification: Uncertain significance for Inborn genetic diseases. Last evaluated: 2025-08-20. Review status: criteria provided, single submitter. Criteria: Ambry Variant Classification Scheme 2023. Collection method: clinical testing. Allele origin: germline.

Labcorp Genetics (formerly Invitae), Labcorp
Classification: Uncertain significance for Hereditary spastic paraplegia 75. Last evaluated: 2018-06-28. Review status: criteria provided, single submitter. Criteria: Invitae Variant Classification Sherloc (09022015). Collection method: clinical testing. Allele origin: germline.
Comment: This variant has not been reported in the literature in individuals with MAG-related disease. In summary, the available evidence is currently insufficient to determine the role of this variant in disease. Therefore, it has been classified as a Variant of Uncertain Significance. Algorithms developed to predict the effect of sequence changes on RNA splicing suggest that this variant may create or strengthen a splice site, but this prediction has not been confirmed by published transcriptional studies. Algorithms developed to predict the effect of missense changes on protein structure and function are either unavailable or do not agree on the potential impact of this missense change (SIFT: "Deleterious"; PolyPhen-2: "Benign"; Align-GVGD: "Class C0"). This variant is present in population databases (rs201094395, ExAC 0.02%). This sequence change replaces arginine with glutamine at codon 587 of the MAG protein (p.Arg587Gln). The arginine residue is highly conserved and there is a small physicochemical difference between arginine and glutamine.